The following is an entry in ClinVar:

NM_001348768.2(HECW2):c.3391A>G (p.Ser1131Gly)

Gene: HECW2 (HECT, C2 and WW domain containing E3 ubiquitin protein ligase 2; minus strand). Cytogenetic location: 2q32.3.
Variant type: single nucleotide variant.
Coding change: c.3391A>G on transcript NM_001348768.2 (MANE Select); coding-DNA position 3391, A replaced by G.
Protein change: p.Ser1131Gly; replaces serine 1131 with glycine.
Molecular consequence: missense variant.
Genome position (GRCh38, 1-based): chr2:196,257,851, T>C on the plus strand (A>G on the coding strand, the complement: HECW2 is on the minus strand). VCF-style: chr2-196257851-T-C. GRCh37 (hg19) VCF-style: chr2-197122575-T-C.
Other names: NC_000002.11:g.197122575T>C; c.2323A>G, p.Ser775Gly (NM_001304840.3); c.3391A>G, p.Ser1131Gly (NM_020760.4); short protein forms S1131G, S775G.
Identifiers: ClinVar variation 2520424 (VCV002520424.4), dbSNP rs760168855, ClinGen allele CA2037771.

ClinVar aggregate classification (germline): Likely benign. Review status: criteria provided, multiple submitters, no conflicts (2 of 4 stars). 2 submissions from 2 submitters: Likely benign (2). Last evaluated 2026-07-01.

Conditions:
Inborn genetic diseases. Identifiers: MedGen C0950123, MeSH D030342.

Allele frequency attached by ClinVar (database versions not stated): TOPMed 0.00002; gnomAD 0.00003; gnomAD exomes 0.00005; ExAC 0.00014.
gnomAD v4.1: 82 of 1,613,978 alleles (0.0051%); highest among the groups gnomAD compares: South Asian, 0.074%; no homozygotes.

Submissions (3):

CeGaT Center for Human Genetics Tuebingen
Classification: Likely benign. Last evaluated: 2026-07-01. Review status: criteria provided, single submitter. Criteria: CeGaT Center For Human Genetics Tuebingen Variant Classification Criteria Version 2. Collection method: clinical testing. Allele origin: germline. Affected: yes. Observed: 1 variant allele.
Comment: HECW2: BS2

Ambry Genetics
Classification: Likely benign for Inborn genetic diseases. Last evaluated: 2023-05-17. Review status: criteria provided, single submitter. Criteria: Ambry Variant Classification Scheme 2023. Collection method: clinical testing. Allele origin: germline.

Dr. Peter K. Rogan Lab, Western University
No classification provided (evidence only). Condition: Adrenocortical carcinoma, hereditary. Review status: no classification provided. Collection method: in vitro. Allele origin: not applicable. Functional consequence: retained intron. Not counted in ClinVar's aggregate classification.